The following is an entry in ClinVar:

ClinVar aggregate classification (germline): Conflicting classifications of pathogenicity. Review status: criteria provided, conflicting classifications (1 of 4 stars). 4 submissions from 4 submitters: Uncertain significance (3); Likely benign (1). Last evaluated 2026-08-18.

Conditions:
VAPB-related disorder. Also called: VAPB-related condition.
Inborn genetic diseases. Identifiers: MedGen C0950123, MeSH D030342.
Amyotrophic lateral sclerosis type 8 (ALS8). Identifiers: Orphanet 803, MedGen C1837728, MONDO:0012077, OMIM 608627.
Adult-onset proximal spinal muscular atrophy, autosomal dominant. Also called: Spinal muscular atrophy, late-onset, finkel type; FINKEL LATE-ADULT TYPE SMA. Identifiers: Orphanet 209335, MedGen C1854058, MONDO:0008453, OMIM 182980.

Allele frequency attached by ClinVar (database versions not stated): gnomAD exomes 0.00011; TOPMed 0.00011; ESP Exome Variant Server 0.00031.
gnomAD v4.1: 178 of 1,613,888 alleles (0.011%); highest among the groups gnomAD compares: African/African-American, 0.036%; no homozygotes.

Submissions (4):

PreventionGenetics, part of Exact Sciences
Classification: Uncertain significance for VAPB-related condition. Last evaluated: 2026-08-18. Review status: criteria provided, single submitter. Criteria: ACMG Guidelines, 2015. Collection method: clinical testing. Allele origin: germline.
Comment: The VAPB c.551G>A variant is predicted to result in the amino acid substitution p.Arg184Gln. This variant has been reported in an individual with early-onset Parkinson disease (Kun-Rodrigues et al. 2015. PubMed ID: 26362251). This variant is reported in 0.032% of alleles in individuals of African descent in gnomAD. An alternate missense substitution affecting the same amino acid (p.Arg184Trp) has been reported in an individual with amyotrophic lateral sclerosis (ALS) (Table S14, Chen et al. 2022. PubMed ID: 34544842). Although we suspect that this variant may be benign, at this time, the clinical significance of this variant is uncertain due to the absence of conclusive functional and genetic evidence.

Labcorp Genetics (formerly Invitae), Labcorp
Classification: Uncertain significance for Adult-onset proximal spinal muscular atrophy, autosomal dominant; Amyotrophic lateral sclerosis type 8. Last evaluated: 2025-10-10. Review status: criteria provided, single submitter. Criteria: Invitae Variant Classification Sherloc (09022015). Collection method: clinical testing. Allele origin: germline.
Comment: This sequence change replaces arginine, which is basic and polar, with glutamine, which is neutral and polar, at codon 184 of the VAPB protein (p.Arg184Gln). This variant is present in population databases (rs145483046, gnomAD 0.03%). This missense change has been observed in individual(s) with Parkinson disease (PMID: 26362251). ClinVar contains an entry for this variant (Variation ID: 448852). Invitae Evidence Modeling of protein sequence and biophysical properties (such as structural, functional, and spatial information, amino acid conservation, physicochemical variation, residue mobility, and thermodynamic stability) indicates that this missense variant is not expected to disrupt VAPB protein function with a negative predictive value of 80%. In summary, the available evidence is currently insufficient to determine the role of this variant in disease. Therefore, it has been classified as a Variant of Uncertain Significance.

Ambry Genetics
Classification: Likely benign for Inborn genetic diseases. Last evaluated: 2021-07-23. Review status: criteria provided, single submitter. Criteria: Ambry Variant Classification Scheme 2023. Collection method: clinical testing. Allele origin: germline.

Athena Diagnostics
Classification: Uncertain significance. Last evaluated: 2016-11-30. Review status: criteria provided, single submitter. Criteria: Athena Diagnostics Criteria. Collection method: clinical testing. Allele origin: germline.

Literature cited by the submitters: PubMed 26362251 (cited by Labcorp Genetics (formerly Invitae), Labcorp and Athena Diagnostics); PubMed 24681403 (cited by Athena Diagnostics).

NM_004738.5(VAPB):c.551G>A (p.Arg184Gln)

Gene: VAPB (VAMP associated protein B and C; plus strand). Cytogenetic location: 20q13.32.
Variant type: single nucleotide variant.
Coding change: c.551G>A on transcript NM_004738.5 (MANE Select); coding-DNA position 551, G replaced by A.
Protein change: p.Arg184Gln; replaces arginine 184 with glutamine.
Molecular consequence: missense variant. On other transcripts: non-coding transcript variant (1), intron variant (1).
Genome position (GRCh38, 1-based): chr20:58,441,061, G>A. VCF-style: chr20-58441061-G-A. GRCh37 (hg19) VCF-style: chr20-57016117-G-A.
Other names: c.212-3016G>A (NM_001195677.2); short protein forms R184Q.
Identifiers: ClinVar variation 448852 (VCV000448852.14), dbSNP rs145483046, ClinGen allele CA9924281.
Genomic context (GRCh38, chr20:58,441,061, plus strand): 5'-CCGAAGTTAAGAAGGTTATGGAAGAATGTAAGAGGCTGCAAGGTGAAGTTCAGAGGCTAC[G>A]GGAGGAGAACAAGCAGTTCAAGGTAATAGTTTATTTTCTGGTAATCTACAGAAAACAAGG-3'
Protein context (NP_004729.1, residues 174-194): KRLQGEVQRL[Arg184Gln]EENKQFKEED